The following is an entry in ClinVar:

ClinVar aggregate classification (germline): Uncertain significance (1 of 4 stars; one submission).

Submission:

GeneDx
Classification: Uncertain significance. Last evaluated: 2023-12-29. Review status: criteria provided, single submitter. Criteria: GeneDx Variant Classification Process June 2021. Collection method: clinical testing. Allele origin: germline. Affected: yes.
Comment: Not observed at significant frequency in large population cohorts (gnomAD); In silico analysis supports that this missense variant has a deleterious effect on protein structure/function; Has not been previously published as pathogenic or benign to our knowledge

NM_001173464.2(KIF21A):c.2837A>T (p.Asp946Val)

Gene: KIF21A (kinesin family member 21A; minus strand). Cytogenetic location: 12q12.
Variant type: single nucleotide variant.
Coding change: c.2837A>T on transcript NM_001173464.2 (MANE Select); coding-DNA position 2837, A replaced by T.
Protein change: p.Asp946Val; replaces aspartic acid 946 with valine.
Molecular consequence: missense variant.
Genome position (GRCh38, 1-based): chr12:39,332,610, T>A on the plus strand (A>T on the coding strand, the complement: KIF21A is on the minus strand). VCF-style: chr12-39332610-T-A. GRCh37 (hg19) VCF-style: chr12-39726412-T-A.
Other names: c.2798A>T, p.Asp933Val (NM_001173463.2, NM_001378441.1, NM_017641.4); c.2729A>T, p.Asp910Val (NM_001173465.2); c.2837A>T, p.Asp946Val (NM_001378439.1, NM_001378440.1); short protein forms D910V, D933V, D946V.
Identifiers: ClinVar variation 3370232 (VCV003370232.1).